The following is an entry in ClinVar:

NC_000023.10:g.(?_18534398)_(18600033_?)del

Gene: CDKL5 (cyclin dependent kinase like 5; plus strand). Cytogenetic location: Xp22.13.
Variant type: Deletion.
Identifiers: ClinVar variation 3244366 (VCV003244366.1).

ClinVar aggregate classification (germline): Pathogenic (1 of 4 stars; one submission).

Conditions:
Angelman syndrome-like. Identifiers: MedGen CN128785.
Developmental and epileptic encephalopathy, 2 (DEE2). Also called: INFANTILE SPASM SYNDROME, X-LINKED 2; CDKL5 deficiency disorder. Identifiers: Orphanet 1934, Orphanet 3451, Orphanet 505652, MedGen C4750718, MONDO:0010396, OMIM 300672.

Submission:

Labcorp Genetics (formerly Invitae), Labcorp
Classification: Pathogenic for Developmental and epileptic encephalopathy, 2; Angelman syndrome-like. Last evaluated: 2020-03-24. Review status: criteria provided, single submitter. Criteria: Invitae Variant Classification Sherloc (09022015). Collection method: clinical testing. Allele origin: unknown.
Comment: Loss-of-function variants in CDKL5 are known to be pathogenic (PMID: 22872100). This variant disrupts the p.Ala40 amino acid residue in CDKL5. Other variant(s) that disrupt this residue have been determined to be pathogenic (PMID: 17993579, 19793311, 22678952, 25819767). This suggests that this residue is clinically significant, and that variants that disrupt this residue are likely to be disease-causing. This variant has not been reported in the literature in individuals with CDKL5-related conditions. This variant results in the deletion of exons 4-6 and part of exon 7 (c.99+5424_426delinsTC) of the CDKL5 gene. It is expected to disrupt RNA splicing and likely results in an absent or disrupted protein product. For these reasons, this variant has been classified as Pathogenic.

Literature cited by the submitters: PubMed 22872100; PubMed 17993579; PubMed 19793311; PubMed 22678952; PubMed 25819767.